The following is an entry in ClinVar:

NM_002470.4(MYH3):c.3391G>A (p.Ala1131Thr)

Gene: MYH3 (myosin heavy chain 3; minus strand). Cytogenetic location: 17p13.1.
Variant type: single nucleotide variant.
Coding change: c.3391G>A on transcript NM_002470.4 (MANE Select); coding-DNA position 3391, G replaced by A.
Protein change: p.Ala1131Thr; replaces alanine 1131 with threonine.
Molecular consequence: missense variant.
Genome position (GRCh38, 1-based): chr17:10,638,381, C>T on the plus strand (G>A on the coding strand, the complement: MYH3 is on the minus strand). VCF-style: chr17-10638381-C-T. GRCh37 (hg19) VCF-style: chr17-10541698-C-T.
Other names: short protein forms A1131T.
Identifiers: ClinVar variation 2292338 (VCV002292338.3), dbSNP rs532906457, ClinGen allele CA8392531.

ClinVar aggregate classification (germline): Uncertain significance. Review status: criteria provided, multiple submitters, no conflicts (2 of 4 stars). 2 submissions from 2 submitters: Uncertain significance (2). Last evaluated 2024-09-09.

Conditions:
Inborn genetic diseases. Identifiers: MedGen C0950123, MeSH D030342.

Allele frequency attached by ClinVar (database versions not stated): ExAC 0.00001; TOPMed 0.00001; gnomAD 0.00002; gnomAD exomes 0.00002; 1000 Genomes Project 30x 0.00016; 1000 Genomes Project 0.00020.

Submissions (2):

Women's Health and Genetics/Laboratory Corporation of America, LabCorp
Classification: Uncertain significance. Last evaluated: 2024-09-09. Review status: criteria provided, single submitter. Criteria: LabCorp Variant Classification Summary - May 2015. Collection method: clinical testing. Allele origin: germline.
Comment: Variant summary: MYH3 c.3391G>A (p.Ala1131Thr) results in a non-conservative amino acid change located in the Myosin tail domain (IPR002928) of the encoded protein sequence. Five of five in-silico tools predict a damaging effect of the variant on protein function. The variant allele was found at a frequency of 8.3e-06 in 241662 control chromosomes. The available data on variant occurrences in the general population are insufficient to allow any conclusion about variant significance. To our knowledge, no occurrence of c.3391G>A in individuals affected with MYH3-Related Disorders and no experimental evidence demonstrating its impact on protein function have been reported. ClinVar contains an entry for this variant (Variation ID: 2292338). Based on the evidence outlined above, the variant was classified as uncertain significance.

Ambry Genetics
Classification: Uncertain significance for Inborn genetic diseases. Last evaluated: 2022-05-27. Review status: criteria provided, single submitter. Criteria: Ambry Variant Classification Scheme 2023. Collection method: clinical testing. Allele origin: germline.